The following is an entry in ClinVar:

ClinVar aggregate classification (germline): Uncertain significance. Review status: criteria provided, multiple submitters, no conflicts (2 of 4 stars). 2 submissions from 2 submitters: Uncertain significance (2). Last evaluated 2025-01-28.

Conditions:
Inborn genetic diseases. Identifiers: MedGen C0950123, MeSH D030342.

Allele frequency attached by ClinVar (database versions not stated): gnomAD 0.00001; TOPMed 0.00001; ExAC 0.00002.
gnomAD v4.1: 10 of 1,613,760 alleles (0.00062%); highest among the groups gnomAD compares: Admixed American, 0.012%; no homozygotes.

Submissions (2):

Ambry Genetics
Classification: Uncertain significance for Inborn genetic diseases. Last evaluated: 2025-01-28. Review status: criteria provided, single submitter. Criteria: Ambry Variant Classification Scheme 2023. Collection method: clinical testing. Allele origin: germline.

Labcorp Genetics (formerly Invitae), Labcorp
Classification: Uncertain significance. Last evaluated: 2022-07-29. Review status: criteria provided, single submitter. Criteria: Invitae Variant Classification Sherloc (09022015). Collection method: clinical testing. Allele origin: germline.
Comment: This sequence change replaces threonine, which is neutral and polar, with serine, which is neutral and polar, at codon 3101 of the VPS13A protein (p.Thr3101Ser). This variant is present in population databases (rs774970698, gnomAD 0.01%). This variant has not been reported in the literature in individuals affected with VPS13A-related conditions. Algorithms developed to predict the effect of missense changes on protein structure and function are either unavailable or do not agree on the potential impact of this missense change (SIFT: "Tolerated"; PolyPhen-2: "Possibly Damaging"; Align-GVGD: "Class C0"). In summary, the available evidence is currently insufficient to determine the role of this variant in disease. Therefore, it has been classified as a Variant of Uncertain Significance.

NM_033305.3(VPS13A):c.9301A>T (p.Thr3101Ser)

Gene: VPS13A (vacuolar protein sorting 13 homolog A; plus strand). Cytogenetic location: 9q21.2.
Variant type: single nucleotide variant.
Coding change: c.9301A>T on transcript NM_033305.3 (MANE Select); coding-DNA position 9301, A replaced by T.
Protein change: p.Thr3101Ser; replaces threonine 3101 with serine.
Molecular consequence: missense variant.
Genome position (GRCh38, 1-based): chr9:77,405,889, A>T. VCF-style: chr9-77405889-A-T. GRCh37 (hg19) VCF-style: chr9-80020805-A-T.
Other names: c.9184A>T, p.Thr3062Ser (NM_001018037.2); c.9301A>T (NM_033305.2); short protein forms T3062S, T3101S.
Identifiers: ClinVar variation 2418430 (VCV002418430.4), dbSNP rs774970698, ClinGen allele CA5094015.
Genomic context (GRCh38, chr9:77,405,889, plus strand): 5'-TAAAGCGAATTCTTTTTTTGTTTTTCTTTTTGCAGTGGTGTATTGTTTGTAACAAAGGGA[A>T]CATTTGGACAACTCACGTGTGAGTGGCAGTATAGTTTTGATGAATTTACCAAAGAGCCAT-3'
Protein context (NP_150648.2, residues 3091-3111): RRGVLFVTKG[Thr3101Ser]FGQLTCEWQY